The following is an entry in ClinVar:

NM_020821.3(VPS13C):c.9483+1G>A

Gene: VPS13C (vacuolar protein sorting 13 homolog C; minus strand). Cytogenetic location: 15q22.2.
Variant type: single nucleotide variant.
Coding change: c.9483+1G>A on transcript NM_020821.3 (MANE Select); the canonical splice donor site of the intron after coding-DNA position 9483, G replaced by A.
Molecular consequence: splice donor variant.
Genome position (GRCh38, 1-based): chr15:61,884,127, C>T on the plus strand (G>A on the coding strand, the complement: VPS13C is on the minus strand). VCF-style: chr15-61884127-C-T. GRCh37 (hg19) VCF-style: chr15-62176326-C-T.
Other names: c.9354+1G>A (NM_017684.5, NM_018080.4); c.9483+1G>A (NM_001018088.3).
Identifiers: ClinVar variation 3689480 (VCV003689480.2).

ClinVar aggregate classification (germline): Likely pathogenic (1 of 4 stars; one submission).

Submission:

Labcorp Genetics (formerly Invitae), Labcorp
Classification: Likely pathogenic. Last evaluated: 2024-07-03. Review status: criteria provided, single submitter. Criteria: Invitae Variant Classification Sherloc (09022015). Collection method: clinical testing. Allele origin: germline.
Comment: This sequence change affects a donor splice site in intron 68 of the VPS13C gene. It is expected to disrupt RNA splicing. Variants that disrupt the donor or acceptor splice site typically lead to a loss of protein function (PMID: 16199547), and loss-of-function variants in VPS13C are known to be pathogenic (PMID: 26942284, 34875562). This variant is not present in population databases (gnomAD no frequency). This variant has not been reported in the literature in individuals affected with VPS13C-related conditions. Algorithms developed to predict the effect of sequence changes on RNA splicing suggest that this variant may disrupt the consensus splice site. In summary, the currently available evidence indicates that the variant is pathogenic, but additional data are needed to prove that conclusively. Therefore, this variant has been classified as Likely Pathogenic.

Literature cited by the submitters: PubMed 16199547; PubMed 26942284; PubMed 34875562.